The following is an entry in ClinVar:

ClinVar aggregate classification (germline): Benign. Review status: criteria provided, multiple submitters, no conflicts (2 of 4 stars). 4 submissions from 3 submitters: Benign (4). Last evaluated 2018-07-05.

Conditions:
GTP cyclohydrolase I deficiency. Identifiers: MedGen C0268467, MONDO:0100184.
Dystonia 5 (DRD). Also called: DYSTONIA, PROGRESSIVE, WITH DIURNAL VARIATION; DYSTONIA-PARKINSONISM WITH DIURNAL FLUCTUATION; Dystonia, DOPA-responsive, with or without hyperphenylalaninemia; GTP Cyclohydrolase 1-Deficient Dopa-Responsive Dystonia; DYT-GCH1. Identifiers: Orphanet 98808, MedGen C1851920, MONDO:0007495, OMIM 128230.

Allele frequency attached by ClinVar (database versions not stated): gnomAD 0.04950; TOPMed 0.05481; 1000 Genomes Project 0.06090; 1000 Genomes Project 30x 0.06480.
gnomAD v4.1: 12,578 of 1,178,736 alleles (1.1%); highest among the groups gnomAD compares: African/African-American, 18%; 1,069 homozygotes.

Submissions (4):

GeneDx
Classification: Benign. Last evaluated: 2018-07-05. Review status: criteria provided, single submitter. Criteria: GeneDx Variant Classification Process June 2021. Collection method: clinical testing. Allele origin: germline. Affected: yes.

Illumina Laboratory Services, Illumina
Classification: Benign for Dystonia 5. Last evaluated: 2018-01-13. Review status: criteria provided, single submitter. Criteria: ICSL Variant Classification Criteria 13 December 2019. Collection method: clinical testing. Allele origin: germline.
Comment: This variant was observed in the ICSL laboratory as part of a predisposition screen in an ostensibly healthy population. It had not been previously curated by ICSL or reported in the Human Gene Mutation Database (HGMD: prior to June 1st, 2018), and was therefore a candidate for classification through an automated scoring system. Utilizing variant allele frequency, disease prevalence and penetrance estimates, and inheritance mode, an automated score was calculated to assess if this variant is too frequent to cause the disease. Based on the score and internal cut-off values, a variant classified as benign is not then subjected to further curation. The score for this variant resulted in a classification of benign for this disease.

Illumina Laboratory Services, Illumina
Classification: Benign for GTP cyclohydrolase I deficiency with hyperphenylalaninemia. Last evaluated: 2018-01-13. Review status: criteria provided, single submitter. Criteria: ICSL Variant Classification Criteria 13 December 2019. Collection method: clinical testing. Allele origin: germline.
Comment: the same text as in the submission from Illumina Laboratory Services, Illumina above.

Breakthrough Genomics
Classification: Benign. Review status: criteria provided, single submitter. Criteria: ACMG Guidelines, 2015. Collection method: not provided. Allele origin: germline. Inheritance: Autosomal recessive inheritance. Affected: yes.

NM_000161.3(GCH1):c.-131C>T

Genes: GCH1 (GTP cyclohydrolase 1; minus strand), LOC130055692 (ATAC-STARR-seq lymphoblastoid silent region 5776; plus strand). Cytogenetic location: 14q22.2.
Variant type: single nucleotide variant.
Coding change: c.-131C>T on transcript NM_000161.3 (MANE Select); 131 bases upstream of the start codon, C replaced by T.
Molecular consequence: 5 prime UTR variant.
Genome position (GRCh38, 1-based): chr14:54,902,794, G>A on the plus strand (C>T on the coding strand, the complement: GCH1 is on the minus strand). VCF-style: chr14-54902794-G-A. GRCh37 (hg19) VCF-style: chr14-55369512-G-A.
Other names: c.-131C>T (NM_001024024.2, NM_001024070.2, NM_001024071.2).
Identifiers: ClinVar variation 313406 (VCV000313406.7), dbSNP rs115939621, ClinGen allele CA10645479.
Genomic context (GRCh38, chr14:54,902,794, plus strand): 5'-GGTGGCCGCGGACAATGGGCTGTGGCCGGAGTCACCTGAGGAAGGTACGCAACCTGCTTA[G>A]ATCACACTCCGAGCCGGGAGCGGCCACAGGCTGGAAAGCCCGGCCGCGCCTCCTTTTTAT-3'